The following is an entry in ClinVar:

ClinVar aggregate classification (germline): Uncertain significance (1 of 4 stars; one submission).

Conditions:
Hereditary pancreatitis (PCTT). Also called: Hereditary chronic pancreatitis; PRSS1-Related Hereditary Pancreatitis. Identifiers: Orphanet 676, MedGen C0238339, MONDO:0008185, OMIM 167800.

Allele frequency attached by ClinVar (database versions not stated): gnomAD 0.00002.

Submission:

Ambry Genetics
Classification: Uncertain significance for Hereditary pancreatitis. Last evaluated: 2023-04-07. Review status: criteria provided, single submitter. Criteria: Ambry Variant Classification Scheme 2023. Collection method: clinical testing. Allele origin: germline.
Comment: The p.G198D variant (also known as c.593G>A), located in coding exon 5 of the PRSS1 gene, results from a G to A substitution at nucleotide position 593. The glycine at codon 198 is replaced by aspartic acid, an amino acid with similar properties. This amino acid position is conserved. In addition, this alteration is predicted to be deleterious by in silico analysis. Since supporting evidence is limited at this time, the clinical significance of this alteration remains unclear.

NM_002769.5(PRSS1):c.593G>A (p.Gly198Asp)

Genes: PRSS1 (serine protease 1; plus strand), TRB (T cell receptor beta locus; plus strand). Cytogenetic location: 7q34.
Variant type: single nucleotide variant.
Coding change: c.593G>A on transcript NM_002769.5 (MANE Select); coding-DNA position 593, G replaced by A.
Protein change: p.Gly198Asp; replaces glycine 198 with aspartic acid.
Molecular consequence: missense variant. On other transcripts: non-coding transcript variant (5).
Genome position (GRCh38, 1-based): chr7:142,752,869, G>A. VCF-style: chr7-142752869-G-A. GRCh37 (hg19) VCF-style: chr7-142460720-G-A.
Other names: short protein forms G198D.
Identifiers: ClinVar variation 2563191 (VCV002563191.2), dbSNP rs1201496061, ClinGen allele CA369610564.